The following is an entry in ClinVar:

ClinVar aggregate classification (germline): Conflicting classifications of pathogenicity. Review status: criteria provided, conflicting classifications (1 of 4 stars). 2 submissions from 2 submitters: Uncertain significance (1); Likely benign (1). Last evaluated 2025-06-03.

Conditions:
Inborn genetic diseases. Identifiers: MedGen C0950123, MeSH D030342.

Allele frequency attached by ClinVar (database versions not stated): gnomAD exomes below 0.00001; TOPMed below 0.00001; ExAC 0.00001; gnomAD 0.00001.
gnomAD v4.1: 3 of 1,613,732 alleles (0.00019%); highest among the groups gnomAD compares: African/African-American, 0.004%; no homozygotes.

Submissions (2):

Ambry Genetics
Classification: Likely benign for Inborn genetic diseases. Last evaluated: 2025-06-03. Review status: criteria provided, single submitter. Criteria: Ambry Variant Classification Scheme 2023. Collection method: clinical testing. Allele origin: germline.

Labcorp Genetics (formerly Invitae), Labcorp
Classification: Uncertain significance. Last evaluated: 2023-03-21. Review status: criteria provided, single submitter. Criteria: Invitae Variant Classification Sherloc (09022015). Collection method: clinical testing. Allele origin: germline.
Comment: This sequence change replaces glutamine, which is neutral and polar, with arginine, which is basic and polar, at codon 410 of the COL4A4 protein (p.Gln410Arg). This variant is present in population databases (rs778254234, gnomAD 0.007%). This variant has not been reported in the literature in individuals affected with COL4A4-related conditions. Advanced modeling of protein sequence and biophysical properties (such as structural, functional, and spatial information, amino acid conservation, physicochemical variation, residue mobility, and thermodynamic stability) performed at Invitae indicates that this missense variant is not expected to disrupt COL4A4 protein function. In summary, the available evidence is currently insufficient to determine the role of this variant in disease. Therefore, it has been classified as a Variant of Uncertain Significance.

NM_000092.5(COL4A4):c.1229A>G (p.Gln410Arg)

Gene: COL4A4 (collagen type IV alpha 4 chain; minus strand). Cytogenetic location: 2q36.3.
Variant type: single nucleotide variant.
Coding change: c.1229A>G on transcript NM_000092.5 (MANE Select); coding-DNA position 1229, A replaced by G.
Protein change: p.Gln410Arg; replaces glutamine 410 with arginine.
Molecular consequence: missense variant.
Genome position (GRCh38, 1-based): chr2:227,094,265, T>C on the plus strand (A>G on the coding strand, the complement: COL4A4 is on the minus strand). VCF-style: chr2-227094265-T-C. GRCh37 (hg19) VCF-style: chr2-227958981-T-C.
Other names: short protein forms Q410R.
Identifiers: ClinVar variation 2884372 (VCV002884372.4), dbSNP rs778254234, ClinGen allele CA2145232.